The following is an entry in ClinVar:

NM_001167.4(XIAP):c.*5506T>A

Gene: XIAP (X-linked inhibitor of apoptosis; plus strand). Cytogenetic location: Xq25.
Variant type: single nucleotide variant.
Coding change: c.*5506T>A on transcript NM_001167.4 (MANE Select); 5506 bases downstream of the stop codon, T replaced by A.
Molecular consequence: 3 prime UTR variant. On other transcripts: non-coding transcript variant (2).
Genome position (GRCh38, 1-based): chrX:123,912,687, T>A. VCF-style: chrX-123912687-T-A. GRCh37 (hg19) VCF-style: chrX-123046537-T-A.
Other names: c.*5506T>A (NM_001204401.2, NM_001378590.1, NM_001378591.1 and 1 more transcripts).
Identifiers: ClinVar variation 367853 (VCV000367853.6), dbSNP rs201236246, ClinGen allele CA10508434.
Genomic context (GRCh38, chrX:123,912,687, plus strand): 5'-CTTGTCTCAGAATAAATAAAGTATGTGATGAAGATGTGCATACATTATATGCAAATACTG[T>A]TTTTTTTTTTTTTAATTTAAACAGTCTCACTGTGTTGCCCAGGATGGAGTGCAATGGCAC-3'

ClinVar aggregate classification (germline): Benign. Review status: criteria provided, multiple submitters, no conflicts (2 of 4 stars). 2 submissions from 2 submitters: Benign (2). Last evaluated 2018-01-13.

Conditions:
X-linked lymphoproliferative disease due to XIAP deficiency. Also called: XIAP DEFICIENCY; XIAP-Related Lymphoproliferative Disease, X-Linked. Identifiers: Orphanet 2442, Orphanet 538934, MedGen C1845076, MONDO:0010385, OMIM 300635.

Allele frequency attached by ClinVar (database versions not stated): gnomAD 0.21442; gnomAD exomes 0.44999; ExAC 0.68606.

Submissions (2):

Illumina Laboratory Services, Illumina
Classification: Benign for X-linked lymphoproliferative disease due to XIAP deficiency. Last evaluated: 2018-01-13. Review status: criteria provided, single submitter. Criteria: ICSL Variant Classification Criteria 13 December 2019. Collection method: clinical testing. Allele origin: germline.
Comment: This variant was observed in the ICSL laboratory as part of a predisposition screen in an ostensibly healthy population. It had not been previously curated by ICSL or reported in the Human Gene Mutation Database (HGMD: prior to June 1st, 2018), and was therefore a candidate for classification through an automated scoring system. Utilizing variant allele frequency, disease prevalence and penetrance estimates, and inheritance mode, an automated score was calculated to assess if this variant is too frequent to cause the disease. Based on the score and internal cut-off values, a variant classified as benign is not then subjected to further curation. The score for this variant resulted in a classification of benign for this disease.

Breakthrough Genomics
Classification: Benign. Review status: criteria provided, single submitter. Criteria: ACMG Guidelines, 2015. Collection method: not provided. Allele origin: germline. Inheritance: X-linked inheritance. Affected: yes.